The following is an entry in ClinVar:

ClinVar aggregate classification (germline): Likely benign. Review status: criteria provided, single submitter (1 of 4 stars). 2 submissions from 2 submitters: Likely benign (1). 1 of the submissions does not count toward it. Last evaluated 2024-02-03.

Conditions:
PCNT-related disorder. Also called: PCNT-related condition.

Allele frequency attached by ClinVar (database versions not stated): gnomAD exomes below 0.00001; ExAC 0.00002.
gnomAD v4.1: 4 of 1,610,468 alleles (0.00025%); highest among the groups gnomAD compares: Middle Eastern, 0.017%; no homozygotes.

Submissions (2):

Labcorp Genetics (formerly Invitae), Labcorp
Classification: Likely benign. Last evaluated: 2024-02-03. Review status: criteria provided, single submitter. Criteria: Invitae Variant Classification Sherloc (09022015). Collection method: clinical testing. Allele origin: germline.

PreventionGenetics, part of Exact Sciences
Classification: Likely benign for PCNT-related condition. Last evaluated: 2022-02-01. Review status: no assertion criteria provided. Collection method: clinical testing. Allele origin: germline. Not counted in ClinVar's aggregate classification.
Comment: This variant is classified as likely benign based on ACMG/AMP sequence variant interpretation guidelines (Richards et al. 2015 PMID: 25741868, with internal and published modifications).

NM_006031.6(PCNT):c.5457C>G (p.Ala1819=)

Gene: PCNT (pericentrin; plus strand). Cytogenetic location: 21q22.3.
Variant type: single nucleotide variant.
Coding change: c.5457C>G on transcript NM_006031.6 (MANE Select); coding-DNA position 5457, C replaced by G.
Protein change: p.Ala1819=; no amino-acid change (alanine 1819 retained).
Molecular consequence: synonymous variant.
Genome position (GRCh38, 1-based): chr21:46,411,530, C>G. VCF-style: chr21-46411530-C-G. GRCh37 (hg19) VCF-style: chr21-47831444-C-G.
Other names: c.5103C>G, p.Ala1701= (NM_001315529.2); c.5457C>G (NM_006031.5).
Identifiers: ClinVar variation 2883953 (VCV002883953.5), dbSNP rs748224366, ClinGen allele CA10079989.
Genomic context (GRCh38, chr21:46,411,530, plus strand): 5'-GGAGGCCCTGAGCCGGCTGCTGGCTGACCAGGAGCGCAGGCACAGCCAGGCCCTGGAGGC[C>G]CTGCAGCAGCGCCTCCAGGGCGCAGAGGAGGCTGCGGAGCTACAGCTGGCTGAGCTGGAG-3'
Protein context (NP_006022.3, residues 1809-1829): QERRHSQALE[Ala1819=]LQQRLQGAEE